The following is an entry in ClinVar:

ClinVar aggregate classification (germline): Likely pathogenic (1 of 4 stars; one submission).

Conditions:
X-linked severe congenital neutropenia (SCNX). Identifiers: Orphanet 86788, MedGen C1845987, MONDO:0010294, OMIM 300299.

Submission:

Lifecell International Pvt. Ltd
Classification: Likely pathogenic for X-linked severe congenital neutropenia. Review status: criteria provided, single submitter. Criteria: ACMG Guidelines, 2015. Collection method: clinical testing. Allele origin: germline. Inheritance: X-linked recessive inheritance. Affected: yes. Observed: 1 homozygote.
Comment: A Homozygote Nonsense variant c.832G>T in Exon 9 of the WAS gene that results in the amino acid substitution p.Glu278* was identified. The observed variant has a minor allele frequency of 0.000% in gnomAD exomes and genomes, respectively. The severity of the impact of this variant on the protein is high, based on the effect of the protein and REVEL score. Rare Exome Variant Ensemble Learner (REVEL) is an ensembl method for predicting the pathogenicity of missense variants based on a combination of scores from 13 individual tools: MutPred, FATHMM v2.3, VEST 3.0, PolyPhen-2, SIFT, PROVEAN, MutationAssessor, MutationTaster, LRT, GERP++, SiPhy, phyloP, and phastCons. The REVEL score for an individual missense variant can range from 0 to 1, with higher scores reflecting greater likelihood that the variant is disease-causing. Mutations in this gene have been associated with Wiskott-Aldrich syndrome in multiple patients (Massaad, et al., 2013) Based on the above evidence this variant has been classified as Likely Pathogenic according to the ACMG guidelines.

Literature cited by the submitters: PubMed 23527602.

NM_000377.3(WAS):c.832G>T (p.Glu278Ter)

Gene: WAS (WASP actin nucleation promoting factor; plus strand). Cytogenetic location: Xp11.23.
Variant type: single nucleotide variant.
Coding change: c.832G>T on transcript NM_000377.3 (MANE Select); coding-DNA position 832, G replaced by T.
Protein change: p.Glu278Ter; replaces glutamic acid 278 with a stop codon.
Molecular consequence: nonsense.
Genome position (GRCh38, 1-based): chrX:48,688,354, G>T. VCF-style: chrX-48688354-G-T. GRCh37 (hg19) VCF-style: chrX-48546743-G-T.
Other names: short protein forms E278*.
Identifiers: ClinVar variation 2446727 (VCV002446727.2), dbSNP rs2519285821, ClinGen allele CA412872265.